The following is an entry in ClinVar:

NM_004990.4(MARS1):c.1511C>A (p.Pro504His)

Gene: MARS1 (methionyl-tRNA synthetase 1; plus strand). Cytogenetic location: 12q13.3.
Variant type: single nucleotide variant.
Coding change: c.1511C>A on transcript NM_004990.4 (MANE Select); coding-DNA position 1511, C replaced by A.
Protein change: p.Pro504His; replaces proline 504 with histidine.
Molecular consequence: missense variant.
Genome position (GRCh38, 1-based): chr12:57,511,840, C>A. VCF-style: chr12-57511840-C-A. GRCh37 (hg19) VCF-style: chr12-57905623-C-A.
Other names: short protein forms P504H.
Identifiers: ClinVar variation 4794011 (VCV004794011.1).
Genomic context (GRCh38, chr12:57,511,840, plus strand): 5'-CTTGGCTTCGGGATGGCCTCAAGCCACGCTGCATAACCCGAGACCTCAAATGGGGAACCC[C>A]TGTACCCTTAGAAGGTTTTGAAGACAAGGTAAAAACCCTTTTTTATTCATATCATTCAGC-3'
Protein context (NP_004981.2, residues 494-514): CITRDLKWGT[Pro504His]VPLEGFEDKV

ClinVar aggregate classification (germline): Uncertain significance (1 of 4 stars; one submission).

Conditions:
Severe early-onset pulmonary alveolar proteinosis due to MARS deficiency. Also called: PULMONARY ALVEOLAR PROTEINOSIS, REUNION ISLAND; Interstitial lung and liver disease. Identifiers: Orphanet 440427, MedGen C4225400, MONDO:0014206, OMIM 615486.
Charcot-Marie-Tooth disease axonal type 2U. Also called: CHARCOT-MARIE-TOOTH NEUROPATHY, TYPE 2U; CHARCOT-MARIE-TOOTH DISEASE, AXONAL, AUTOSOMAL DOMINANT, TYPE 2U. Identifiers: Orphanet 397735, MedGen C4084821, MONDO:0014566, OMIM 616280.

gnomAD v4.1: 6 of 1,614,058 alleles (0.00037%); highest among the groups gnomAD compares: African/African-American, 0.008%; no homozygotes.

Submission:

Labcorp Genetics (formerly Invitae), Labcorp
Classification: Uncertain significance for Charcot-Marie-Tooth disease axonal type 2U; Severe early-onset pulmonary alveolar proteinosis due to MARS deficiency. Last evaluated: 2025-09-10. Review status: criteria provided, single submitter. Criteria: Invitae Variant Classification Sherloc (09022015). Collection method: clinical testing. Allele origin: germline.
Comment: This sequence change replaces proline, which is neutral and non-polar, with histidine, which is basic and polar, at codon 504 of the MARS protein (p.Pro504His). This variant is present in population databases (rs756199344, gnomAD 0.01%). This variant has not been reported in the literature in individuals affected with MARS-related conditions. An algorithm developed to predict the effect of missense changes on protein structure and function (PolyPhen-2) suggests that this variant is likely to be disruptive. In summary, the available evidence is currently insufficient to determine the role of this variant in disease. Therefore, it has been classified as a Variant of Uncertain Significance.